The following is an entry in ClinVar:

ClinVar aggregate classification (germline): Uncertain significance (1 of 4 stars; one submission).

Conditions:
Hereditary cancer-predisposing syndrome. Also called: Neoplastic Syndromes, Hereditary; Tumor predisposition; Hereditary Cancer Syndrome; Hereditary neoplastic syndrome. Identifiers: Orphanet 140162, MedGen C0027672, MeSH D009386, MONDO:0015356.

Submission:

Ambry Genetics
Classification: Uncertain significance for Hereditary cancer-predisposing syndrome. Last evaluated: 2020-02-20. Review status: criteria provided, single submitter. Criteria: Ambry Variant Classification Scheme 2023. Collection method: clinical testing. Allele origin: germline.
Comment: The p.E553V variant (also known as c.1658A>T), located in coding exon 14 of the FANCC gene, results from an A to T substitution at nucleotide position 1658. The glutamic acid at codon 553 is replaced by valine, an amino acid with dissimilar properties. This amino acid position is not well conserved in available vertebrate species. In addition, this alteration is predicted to be tolerated by in silico analysis. Since supporting evidence is limited at this time, the clinical significance of this alteration remains unclear.

NM_000136.3(FANCC):c.1658A>T (p.Glu553Val)

Genes: AOPEP (aminopeptidase O (putative); plus strand), FANCC (FA complementation group C; minus strand). Cytogenetic location: 9q22.32.
Variant type: single nucleotide variant.
Coding change: c.1658A>T on transcript NM_000136.3 (MANE Select); coding-DNA position 1658, A replaced by T.
Protein change: p.Glu553Val; replaces glutamic acid 553 with valine.
Molecular consequence: missense variant.
Genome position (GRCh38, 1-based): chr9:95,101,726, T>A on the plus strand (A>T on the coding strand, the complement: FANCC is on the minus strand). VCF-style: chr9-95101726-T-A. GRCh37 (hg19) VCF-style: chr9-97864008-T-A.
Other names: c.1658A>T, p.Glu553Val (NM_001243743.2); short protein forms E553V.
Identifiers: ClinVar variation 1777391 (VCV001777391.2), dbSNP rs2540749196, ClinGen allele CA374104251.
Genomic context (GRCh38, chr9:95,101,726, plus strand): 5'-CTGATCCCTCACGCCGGGCACCCACACGGCCTGCGTGCCTTCTAGACTTGAGTTCGCAGC[T>A]CTTTAAGGAGCTCTCGGGCCAGTTTTTCTGATCTAGGGCTTTCAATGCCAAGACGATTCC-3'
Protein context (NP_000127.2, residues 543-558): SEKLARELLK[Glu553Val]LRTQV